The following is an entry in ClinVar:

NM_001458.5(FLNC):c.2265+1G>T

Gene: FLNC (filamin C; plus strand). Cytogenetic location: 7q32.1.
Variant type: single nucleotide variant.
Coding change: c.2265+1G>T on transcript NM_001458.5 (MANE Select); the canonical splice donor site of the intron after coding-DNA position 2265, G replaced by T.
Molecular consequence: splice donor variant.
Genome position (GRCh38, 1-based): chr7:128,842,375, G>T. VCF-style: chr7-128842375-G-T. GRCh37 (hg19) VCF-style: chr7-128482429-G-T.
Other names: c.2265+1G>T (NM_001127487.2).
Identifiers: ClinVar variation 2662730 (VCV002662730.2), dbSNP rs1585157354, ClinGen allele CA369229764.

ClinVar aggregate classification (germline): Likely pathogenic (1 of 4 stars; one submission).

Submission:

GeneDx
Classification: Likely pathogenic. Last evaluated: 2025-08-29. Review status: criteria provided, single submitter. Criteria: GeneDx Variant Classification Process June 2021. Collection method: clinical testing. Allele origin: germline.
Comment: Has not been previously published as pathogenic or benign in association with an FLNC-related disorder to our knowledge; Not observed at significant frequency in large population cohorts (gnomAD); Canonical splice site variant predicted to result in an in-frame loss of the adjacent exon in a gene for which loss of function is a known mechanism of disease; This variant is associated with the following publications: (PMID: 35699965)